The following is an entry in ClinVar:

NM_001363711.2(DUOX2):c.4199T>A (p.Val1400Asp)

Gene: DUOX2 (dual oxidase 2; minus strand). Cytogenetic location: 15q21.1.
Variant type: single nucleotide variant.
Coding change: c.4199T>A on transcript NM_001363711.2 (MANE Select); coding-DNA position 4199, T replaced by A.
Protein change: p.Val1400Asp; replaces valine 1400 with aspartic acid.
Molecular consequence: missense variant.
Genome position (GRCh38, 1-based): chr15:45,095,477, A>T on the plus strand (T>A on the coding strand, the complement: DUOX2 is on the minus strand). VCF-style: chr15-45095477-A-T. GRCh37 (hg19) VCF-style: chr15-45387675-A-T.
Other names: c.4199T>A, p.Val1400Asp (NM_014080.5); short protein forms V1400D.
Identifiers: ClinVar variation 3680768 (VCV003680768.2).

ClinVar aggregate classification (germline): Uncertain significance (1 of 4 stars; one submission).

Submission:

Labcorp Genetics (formerly Invitae), Labcorp
Classification: Uncertain significance. Last evaluated: 2024-04-07. Review status: criteria provided, single submitter. Criteria: Invitae Variant Classification Sherloc (09022015). Collection method: clinical testing. Allele origin: germline.
Comment: This sequence change replaces valine, which is neutral and non-polar, with aspartic acid, which is acidic and polar, at codon 1400 of the DUOX2 protein (p.Val1400Asp). This variant is not present in population databases (gnomAD no frequency). This variant has not been reported in the literature in individuals affected with DUOX2-related conditions. Advanced modeling of protein sequence and biophysical properties (such as structural, functional, and spatial information, amino acid conservation, physicochemical variation, residue mobility, and thermodynamic stability) performed at Invitae indicates that this missense variant is expected to disrupt DUOX2 protein function with a positive predictive value of 80%. In summary, the available evidence is currently insufficient to determine the role of this variant in disease. Therefore, it has been classified as a Variant of Uncertain Significance.